The following is an entry in ClinVar:

NM_177438.3(DICER1):c.1482G>T (p.Met494Ile)

Gene: DICER1 (dicer 1, ribonuclease III; minus strand). Cytogenetic location: 14q32.13.
Variant type: single nucleotide variant.
Coding change: c.1482G>T on transcript NM_177438.3 (MANE Select); coding-DNA position 1482, G replaced by T.
Protein change: p.Met494Ile; replaces methionine 494 with isoleucine.
Molecular consequence: missense variant. On other transcripts: 5 prime UTR variant (1), non-coding transcript variant (6).
Genome position (GRCh38, 1-based): chr14:95,117,649, C>A on the plus strand (G>T on the coding strand, the complement: DICER1 is on the minus strand). VCF-style: chr14-95117649-C-A. GRCh37 (hg19) VCF-style: chr14-95583986-C-A.
Other names: c.1482G>T, p.Met494Ile (NM_001195573.1, NM_001271282.3, NM_001291628.2 and 12 more transcripts); c.1200G>T, p.Met400Ile (NM_001395686.1); c.1077G>T, p.Met359Ile (NM_001395687.1, NM_001395688.1, NM_001395689.1 and 3 more transcripts); c.915G>T, p.Met305Ile (NM_001395691.1); c.-87G>T (NM_001395697.1); short protein forms M359I, M494I, M305I, M400I.
Identifiers: ClinVar variation 4011598 (VCV004011598.1).

ClinVar aggregate classification (germline): Uncertain significance (1 of 4 stars; one submission).

Conditions:
Hereditary cancer-predisposing syndrome. Also called: Tumor predisposition; Hereditary neoplastic syndrome; Neoplastic Syndromes, Hereditary; Hereditary Cancer Syndrome. Identifiers: Orphanet 140162, MedGen C0027672, MeSH D009386, MONDO:0015356.

Submission:

Ambry Genetics
Classification: Uncertain significance for Hereditary cancer-predisposing syndrome. Last evaluated: 2025-03-26. Review status: criteria provided, single submitter. Criteria: Ambry Variant Classification Scheme 2023. Collection method: clinical testing. Allele origin: germline.
Comment: The p.M494I variant (also known as c.1482G>T), located in coding exon 8 of the DICER1 gene, results from a G to T substitution at nucleotide position 1482. The methionine at codon 494 is replaced by isoleucine, an amino acid with highly similar properties. This amino acid position is conserved. In addition, the in silico prediction for this alteration is inconclusive. Based on the available evidence, the clinical significance of this variant remains unclear.